The following is an entry in ClinVar:

NM_000059.4(BRCA2):c.320G>A (p.Arg107Lys)

Gene: BRCA2 (BRCA2 DNA repair associated; plus strand). Cytogenetic location: 13q13.1.
Variant type: single nucleotide variant.
Coding change: c.320G>A on transcript NM_000059.4 (MANE Select); coding-DNA position 320, G replaced by A.
Protein change: p.Arg107Lys; replaces arginine 107 with lysine.
Molecular consequence: missense variant. On other transcripts: 5 prime UTR variant (1), non-coding transcript variant (1).
Genome position (GRCh38, 1-based): chr13:32,325,079, G>A. VCF-style: chr13-32325079-G-A. GRCh37 (hg19) VCF-style: chr13-32899216-G-A.
Other names: c.320G>A, p.Arg107Lys (NM_001406719.1, NM_001406720.1, NM_001406721.1 and 1 more transcripts); c.-50G>A (NM_001406722.1); short protein forms R107K.
Identifiers: ClinVar variation 3482185 (VCV003482185.3).

ClinVar aggregate classification (germline): Conflicting classifications of pathogenicity. Review status: criteria provided, conflicting classifications (1 of 4 stars). 2 submissions from 2 submitters: Uncertain significance (1); Likely benign (1). Last evaluated 2024-12-02.

Conditions:
Hereditary cancer-predisposing syndrome. Also called: Tumor predisposition; Neoplastic Syndromes, Hereditary; Hereditary Cancer Syndrome; Hereditary neoplastic syndrome. Identifiers: Orphanet 140162, MedGen C0027672, MeSH D009386, MONDO:0015356.
Hereditary breast ovarian cancer syndrome. Also called: Hereditary breast and ovarian cancer; Breast and ovarian cancer; Hereditary breast and/or ovarian cancer syndrome; Hereditary breast and ovarian cancer syndrome; BRCA1- and BRCA2-Associated Hereditary Breast and Ovarian Cancer; Hereditary breast and ovarian cancer syndrome (HBOC). Identifiers: Orphanet 145, MedGen C0677776, MeSH D061325, MONDO:0003582. Disease mechanism: loss of function.

Submissions (2):

Ambry Genetics
Classification: Likely benign for Hereditary cancer-predisposing syndrome. Last evaluated: 2024-12-02. Review status: criteria provided, single submitter. Criteria: Ambry Variant Classification Scheme 2023. Collection method: clinical testing. Allele origin: germline.

Labcorp Genetics (formerly Invitae), Labcorp
Classification: Uncertain significance for Hereditary breast ovarian cancer syndrome. Last evaluated: 2024-11-03. Review status: criteria provided, single submitter. Criteria: Invitae Variant Classification Sherloc (09022015). Collection method: clinical testing. Allele origin: germline.
Comment: This sequence change replaces arginine, which is basic and polar, with lysine, which is basic and polar, at codon 107 of the BRCA2 protein (p.Arg107Lys). This variant is not present in population databases (gnomAD no frequency). This variant has not been reported in the literature in individuals affected with BRCA2-related conditions. Invitae Evidence Modeling of protein sequence and biophysical properties (such as structural, functional, and spatial information, amino acid conservation, physicochemical variation, residue mobility, and thermodynamic stability) indicates that this missense variant is not expected to disrupt BRCA2 protein function with a negative predictive value of 95%. In summary, the available evidence is currently insufficient to determine the role of this variant in disease. Therefore, it has been classified as a Variant of Uncertain Significance.